The following is an entry in ClinVar:

NM_001134407.3(GRIN2A):c.421A>C (p.Thr141Pro)

Gene: GRIN2A (glutamate ionotropic receptor NMDA type subunit 2A; minus strand). Cytogenetic location: 16p13.2.
Variant type: single nucleotide variant.
Coding change: c.421A>C on transcript NM_001134407.3 (MANE Select); coding-DNA position 421, A replaced by C.
Protein change: p.Thr141Pro; replaces threonine 141 with proline.
Molecular consequence: missense variant.
Genome position (GRCh38, 1-based): chr16:9,938,545, T>G on the plus strand (A>C on the coding strand, the complement: GRIN2A is on the minus strand). VCF-style: chr16-9938545-T-G. GRCh37 (hg19) VCF-style: chr16-10032402-T-G.
Other names: c.421A>C, p.Thr141Pro (NM_000833.5, NM_001134408.2); short protein forms T141P.
Identifiers: ClinVar variation 377043 (VCV000377043.3), dbSNP rs1057520114, ClinGen allele CA16603244.
Genomic context (GRCh38, chr16:9,938,545, plus strand): 5'-TCTTCAGCATGACCGTGGCTTGCTGCTGGATGGACGCTCCAAACTGGAAGAAGGTAGACG[T>G]CGGATCCTGCCAGTGAAAAGAAAGTAAAACAGAGGATGAGGCAGGAGGTGGTTTATATAG-3'
Protein context (NP_001127879.1, residues 131-151): ASMIMADKDP[Thr141Pro]STFFQFGASI

ClinVar aggregate classification (germline): Uncertain significance (1 of 4 stars; one submission).

Submission:

Center for Pediatric Genomic Medicine, Children's Mercy Hospital and Clinics
Classification: Uncertain significance. Last evaluated: 2016-04-25. Review status: criteria provided, single submitter. Criteria: ACMG Guidelines, 2015. Collection method: clinical testing. Allele origin: germline.
ClinVar note: Converted during submission from Uncertain Significance to Uncertain significance.